The following is an entry in ClinVar:

NM_000426.4(LAMA2):c.3432C>T (p.His1144=)

Gene: LAMA2 (laminin subunit alpha 2; plus strand). Cytogenetic location: 6q22.33.
Variant type: single nucleotide variant.
Coding change: c.3432C>T on transcript NM_000426.4 (MANE Select); coding-DNA position 3432, C replaced by T.
Protein change: p.His1144=; no amino-acid change (histidine 1144 retained).
Molecular consequence: synonymous variant.
Genome position (GRCh38, 1-based): chr6:129,314,675, C>T. VCF-style: chr6-129314675-C-T. GRCh37 (hg19) VCF-style: chr6-129635820-C-T.
Other names: c.3432C>T, p.His1144= (NM_001079823.2).
Identifiers: ClinVar variation 1969668 (VCV001969668.18), dbSNP rs1774462958, ClinGen allele CA451936611.

ClinVar aggregate classification (germline): Likely benign. Review status: criteria provided, multiple submitters, no conflicts (2 of 4 stars). 2 submissions from 2 submitters: Likely benign (2). Last evaluated 2024-12-01.

Conditions:
LAMA2-related muscular dystrophy (LAMA2-RD). Also called: Laminin alpha 2-related dystrophy. Identifiers: MedGen C5679788, MONDO:0100228.

Allele frequency attached by ClinVar (database versions not stated): TOPMed below 0.00001.

Submissions (2):

CeGaT Center for Human Genetics Tuebingen
Classification: Likely benign. Last evaluated: 2024-12-01. Review status: criteria provided, single submitter. Criteria: CeGaT Center For Human Genetics Tuebingen Variant Classification Criteria Version 2. Collection method: clinical testing. Allele origin: germline. Affected: yes. Observed: 1 variant allele.
Comment: LAMA2: PM2:Supporting, BP4, BP7

Labcorp Genetics (formerly Invitae), Labcorp
Classification: Likely benign for LAMA2-related muscular dystrophy. Last evaluated: 2022-04-11. Review status: criteria provided, single submitter. Criteria: Invitae Variant Classification Sherloc (09022015). Collection method: clinical testing. Allele origin: germline.